The following is an entry in ClinVar:

NM_022124.6(CDH23):c.1981G>A (p.Val661Met)

Gene: CDH23 (cadherin related 23; plus strand). Cytogenetic location: 10q22.1.
Variant type: single nucleotide variant.
Coding change: c.1981G>A on transcript NM_022124.6 (MANE Select); coding-DNA position 1981, G replaced by A.
Protein change: p.Val661Met; replaces valine 661 with methionine.
Molecular consequence: missense variant.
Genome position (GRCh38, 1-based): chr10:71,682,567, G>A. VCF-style: chr10-71682567-G-A. GRCh37 (hg19) VCF-style: chr10-73442324-G-A.
Other names: c.1981G>A, p.Val661Met (NM_001171930.2, NM_001171931.2); short protein forms V661M.
Identifiers: ClinVar variation 96024 (VCV000096024.15), dbSNP rs369157174, ClinGen allele CA223626.

ClinVar aggregate classification (germline): Uncertain significance. Review status: criteria provided, multiple submitters, no conflicts (2 of 4 stars). 7 submissions from 7 submitters: Uncertain significance (6). 1 of the submissions does not count toward it. Last evaluated 2022-09-06.

Conditions:
Usher syndrome type 1D (USH1D). Also called: USHER SYNDROME, TYPE ID. Identifiers: Orphanet 231169, Orphanet 886, MedGen C1832845, MONDO:0010984, OMIM 601067.
Autosomal recessive nonsyndromic hearing loss 12. Also called: DEAFNESS, AUTOSOMAL RECESSIVE 12. Identifiers: Orphanet 90636, MedGen C1832394, MONDO:0011067, OMIM 601386.
Pituitary adenoma 5, multiple types. Identifiers: MedGen C4539685, MONDO:0054601, OMIM 617540.
Inborn genetic diseases. Identifiers: MedGen C0950123, MeSH D030342.
Usher syndrome type 1 (USH1). Also called: RETINITIS PIGMENTOSA AND CONGENITAL DEAFNESS. Identifiers: Orphanet 231169, Orphanet 886, MedGen C1568247, MONDO:0010168, OMIM 276900.

Allele frequency attached by ClinVar (database versions not stated): gnomAD 0.00024 and 0.00023; ESP Exome Variant Server 0.00008; ExAC 0.00006; TOPMed 0.00021; gnomAD exomes 0.00004.
gnomAD v4.1: 55 of 1,613,208 alleles (0.0034%); highest among the groups gnomAD compares: African/African-American, 0.068%; no homozygotes.

Submissions (7):

Labcorp Genetics (formerly Invitae), Labcorp
Classification: Uncertain significance. Last evaluated: 2022-09-06. Review status: criteria provided, single submitter. Criteria: Invitae Variant Classification Sherloc (09022015). Collection method: clinical testing. Allele origin: germline.
Comment: This sequence change replaces valine, which is neutral and non-polar, with methionine, which is neutral and non-polar, at codon 661 of the CDH23 protein (p.Val661Met). This variant is present in population databases (rs369157174, gnomAD 0.08%). This variant has not been reported in the literature in individuals affected with CDH23-related conditions. ClinVar contains an entry for this variant (Variation ID: 96024). Algorithms developed to predict the effect of missense changes on protein structure and function are either unavailable or do not agree on the potential impact of this missense change (SIFT: "Deleterious"; PolyPhen-2: "Not Available"; Align-GVGD: "Class C15"). In summary, the available evidence is currently insufficient to determine the role of this variant in disease. Therefore, it has been classified as a Variant of Uncertain Significance.

Revvity Omics, Revvity
Classification: Uncertain significance. Last evaluated: 2022-08-10. Review status: criteria provided, single submitter. Criteria: ACMG Guidelines, 2015. Collection method: clinical testing. Allele origin: germline.

Blueprint Genetics
Classification: Uncertain significance. Last evaluated: 2022-06-03. Review status: criteria provided, single submitter. Criteria: ACMG Guidelines, 2015. Collection method: clinical testing. Allele origin: germline.

Ambry Genetics
Classification: Uncertain significance for Inborn genetic diseases. Last evaluated: 2021-10-22. Review status: criteria provided, single submitter. Criteria: Ambry Variant Classification Scheme 2023. Collection method: clinical testing. Allele origin: germline.

Fulgent Genetics
Classification: Uncertain significance for Usher syndrome type 1D; Autosomal recessive nonsyndromic hearing loss 12; Pituitary adenoma 5, multiple types. Last evaluated: 2021-09-08. Review status: criteria provided, single submitter. Criteria: ACMG Guidelines, 2015. Collection method: clinical testing. Allele origin: unknown.

Eurofins Ntd Llc (ga)
Classification: Uncertain significance. Last evaluated: 2013-04-05. Review status: criteria provided, single submitter. Criteria: EGL Classification Definitions 2015. Collection method: clinical testing. Allele origin: germline. Observed: 1 variant allele, 1 heterozygote.

Natera, Inc.
Classification: Uncertain significance for Usher syndrome type 1. Last evaluated: 2019-10-28. Review status: no assertion criteria provided. Collection method: clinical testing. Allele origin: germline. Not counted in ClinVar's aggregate classification.